The following is an entry in ClinVar:

ClinVar aggregate classification (germline): Uncertain significance. Review status: criteria provided, multiple submitters, no conflicts (2 of 4 stars). 3 submissions from 3 submitters: Uncertain significance (3). Last evaluated 2025-12-16.

Conditions:
Inborn genetic diseases. Identifiers: MedGen C0950123, MeSH D030342.
Holoprosencephaly 9 (HPE9). Also called: PITUITARY ANOMALIES WITH HOLOPROSENCEPHALY-LIKE FEATURES; HOLOPROSENCEPHALY WITH MICROPHTHALMIA AND FIRST BRANCHIAL ARCH ANOMALIES. Identifiers: Orphanet 2162, MedGen C1835819, MONDO:0012563, OMIM 610829.
Postaxial polydactyly-anterior pituitary anomalies-facial dysmorphism syndrome. Also called: Culler-Jones syndrome. Identifiers: Orphanet 420584, MedGen C4014479, MONDO:0014369, OMIM 615849.

gnomAD v4.1: 10 of 1,614,110 alleles (0.00062%); highest among the groups gnomAD compares: Middle Eastern, 0.017%; no homozygotes.

Submissions (3):

Labcorp Genetics (formerly Invitae), Labcorp
Classification: Uncertain significance for Postaxial polydactyly-anterior pituitary anomalies-facial dysmorphism syndrome; Holoprosencephaly 9. Last evaluated: 2025-12-16. Review status: criteria provided, single submitter. Criteria: Invitae Variant Classification Sherloc (09022015). Collection method: clinical testing. Allele origin: germline.
Comment: This sequence change replaces asparagine, which is neutral and polar, with lysine, which is basic and polar, at codon 755 of the GLI2 protein (p.Asn755Lys). This variant is not present in population databases (gnomAD no frequency). This variant has not been reported in the literature in individuals affected with GLI2-related conditions. ClinVar contains an entry for this variant (Variation ID: 3340322). Invitae Evidence Modeling of protein sequence and biophysical properties (such as structural, functional, and spatial information, amino acid conservation, physicochemical variation, residue mobility, and thermodynamic stability) indicates that this missense variant is not expected to disrupt GLI2 protein function with a negative predictive value of 80%. In summary, the available evidence is currently insufficient to determine the role of this variant in disease. Therefore, it has been classified as a Variant of Uncertain Significance.

Ambry Genetics
Classification: Uncertain significance for Inborn genetic diseases. Last evaluated: 2025-11-11. Review status: criteria provided, single submitter. Criteria: Ambry Variant Classification Scheme 2023. Collection method: clinical testing. Allele origin: germline.

GeneDx
Classification: Uncertain significance. Last evaluated: 2023-08-28. Review status: criteria provided, single submitter. Criteria: GeneDx Variant Classification Process June 2021. Collection method: clinical testing. Allele origin: germline. Affected: yes.
Comment: Not observed at significant frequency in large population cohorts (gnomAD); In silico analysis supports that this missense variant does not alter protein structure/function; Has not been previously published as pathogenic or benign to our knowledge

NM_001374353.1(GLI2):c.2214C>G (p.Asn738Lys)

Gene: GLI2 (GLI family zinc finger 2; plus strand). Cytogenetic location: 2q14.2.
Variant type: single nucleotide variant.
Coding change: c.2214C>G on transcript NM_001374353.1 (MANE Select); coding-DNA position 2214, C replaced by G.
Protein change: p.Asn738Lys; replaces asparagine 738 with lysine.
Molecular consequence: missense variant.
Genome position (GRCh38, 1-based): chr2:120,986,586, C>G. VCF-style: chr2-120986586-C-G. GRCh37 (hg19) VCF-style: chr2-121744162-C-G.
Other names: c.2265C>G, p.Asn755Lys (NM_001371271.1, NM_005270.5); c.1839C>G, p.Asn613Lys (NM_001374354.1); short protein forms N613K, N738K, N755K.
Identifiers: ClinVar variation 3340322 (VCV003340322.4).